The following is an entry in ClinVar:

ClinVar aggregate classification (germline): Pathogenic (1 of 4 stars; one submission).

Conditions:
Hereditary cancer-predisposing syndrome. Also called: Neoplastic Syndromes, Hereditary; Tumor predisposition; Hereditary neoplastic syndrome; Hereditary Cancer Syndrome. Identifiers: Orphanet 140162, MedGen C0027672, MeSH D009386, MONDO:0015356.

Submission:

Ambry Genetics
Classification: Pathogenic for Hereditary cancer-predisposing syndrome. Last evaluated: 2026-08-24. Review status: criteria provided, single submitter. Criteria: Ambry Variant Classification Scheme 2023. Collection method: clinical testing. Allele origin: germline.
Comment: The c.1721_1743dup23 variant, located in coding exon 10 of the ATM gene, results from a duplication of AATCAATAATGAAATGGCTCTTA at nucleotide position 1721, causing a translational frameshift with a predicted alternate stop codon (p.F582Nfs*3). This variant is considered to be rare based on population cohorts in the Genome Aggregation Database (gnomAD). This variant is expected to result in loss of function by premature protein truncation or nonsense-mediated mRNA decay. As such, this variant is interpreted as a disease-causing mutation.

NM_000051.4(ATM):c.1721_1743dup (p.Phe582delinsAsnGlnTer)

Gene: ATM (ATM serine/threonine kinase; plus strand). Cytogenetic location: 11q22.3.
Variant type: Duplication.
Coding change: c.1721_1743dup on transcript NM_000051.4 (MANE Select); coding-DNA positions 1721 to 1743, 23 bases duplicated (AATCAATAATGAAATGGCTCTTA).
Protein change: p.Phe582delinsAsnGlnTer.
Molecular consequence: nonsense. On other transcripts: frameshift variant (1).
Genome position (GRCh38, 1-based): chr11:108,251,950-108,251,972, AATCAATAATGAAATGGCTCTTA duplicated. VCF-style (leftmost placement, unchanged base first): chr11-108251949-G-GAATCAATAATGAAATGGCTCTTA. GRCh37 (hg19) VCF-style: chr11-108122676-G-GAATCAATAATGAAATGGCTCTTA.
Other names: c.1721_1743dup, p.Phe582delinsAsnGlnTer (NM_001351834.2); c.1721_1743dupAATCAATAATGAAATGGCTCTTA (NM_000051.3).
Identifiers: ClinVar variation 5032044 (VCV005032044.1).